The following is an entry in ClinVar:

ClinVar aggregate classification (germline): Likely benign (1 of 4 stars; one submission).

gnomAD v4.1: 3 of 1,431,266 alleles (0.00021%); highest among the groups gnomAD compares: African/African-American, 0.0015%; no homozygotes.

Submission:

Mayo Clinic Laboratories, Mayo Clinic
Classification: Likely benign. Last evaluated: 2024-12-27. Review status: criteria provided, single submitter. Criteria: ACMG Guidelines, 2015. Collection method: clinical testing. Allele origin: germline. Observed: 1 variant allele.
Comment: BP4, BP7

NM_020821.3(VPS13C):c.1579-4A>G

Gene: VPS13C (vacuolar protein sorting 13 homolog C; minus strand). Cytogenetic location: 15q22.2.
Variant type: single nucleotide variant.
Coding change: c.1579-4A>G on transcript NM_020821.3 (MANE Select); 4 bases into the intron before coding-DNA position 1579, A replaced by G.
Molecular consequence: intron variant.
Genome position (GRCh38, 1-based): chr15:61,985,003, T>C on the plus strand (A>G on the coding strand, the complement: VPS13C is on the minus strand). VCF-style: chr15-61985003-T-C. GRCh37 (hg19) VCF-style: chr15-62277202-T-C.
Other names: p.?; c.1450-4A>G (NM_017684.5, NM_018080.4); c.1579-4A>G (NM_001018088.3).
Identifiers: ClinVar variation 4683998 (VCV004683998.1).